The following is an entry in ClinVar:

NM_003640.5(ELP1):c.2294G>A (p.Gly765Glu)

Gene: ELP1 (elongator acetyltransferase complex subunit 1; minus strand). Cytogenetic location: 9q31.3.
Variant type: single nucleotide variant.
Coding change: c.2294G>A on transcript NM_003640.5 (MANE Select); coding-DNA position 2294, G replaced by A.
Protein change: p.Gly765Glu; replaces glycine 765 with glutamic acid.
Molecular consequence: missense variant.
Genome position (GRCh38, 1-based): chr9:108,898,571, C>T on the plus strand (G>A on the coding strand, the complement: ELP1 is on the minus strand). VCF-style: chr9-108898571-C-T. GRCh37 (hg19) VCF-style: chr9-111660851-C-T.
Other names: p.G765E:GGA>GAA; c.2294G>A (LRG_251t1); c.1952G>A, p.Gly651Glu (NM_001318360.2); c.1247G>A, p.Gly416Glu (NM_001330749.2); short protein forms G765E, G651E, G416E.
Identifiers: ClinVar variation 137577 (VCV000137577.29), dbSNP rs2230792, ClinGen allele CA201891.
Genomic context (GRCh38, chr9:108,898,571, plus strand): 5'-GTAAAAAACAAGTTAATATGATTCACAGAATCTATCTGTTTAATGAAGGTTTCCACATTT[C>T]CAAGAAACACCTACCAAAAAAAGGACAAAACATCTTCGTTCAGATCATATTAGTTTAAGT-3'
Protein context (NP_003631.2, residues 755-775): IYDHNPKVFL[Gly765Glu]NVETFIKQID

ClinVar aggregate classification (germline): Benign. Review status: criteria provided, multiple submitters, no conflicts (2 of 4 stars). 11 submissions from 11 submitters: Benign (10). 1 of the submissions does not count toward it. Last evaluated 2026-02-04.

Conditions:
Familial dysautonomia. Also called: FD; HSAN III. Identifiers: Orphanet 1764, MedGen C0013364, MONDO:0009131, OMIM 223900. Disease mechanism: loss of function.

Allele frequency attached by ClinVar (database versions not stated): gnomAD exomes 0.19534 and 0.22107; ExAC 0.23058; gnomAD 0.25938 and 0.26279; ESP Exome Variant Server 0.26054; TOPMed 0.27107; 1000 Genomes Project 0.28914; 1000 Genomes Project 30x 0.29403.
gnomAD v4.1: 322,483 of 1,601,350 alleles (20%); highest among the groups gnomAD compares: African/African-American, 42%; 35,513 homozygotes.

Submissions (11):

Labcorp Genetics (formerly Invitae), Labcorp
Classification: Benign. Last evaluated: 2026-02-04. Review status: criteria provided, single submitter. Criteria: Invitae Variant Classification Sherloc (09022015). Collection method: clinical testing. Allele origin: germline.

Blueprint Genetics
Classification: Benign. Last evaluated: 2024-11-27. Review status: criteria provided, single submitter. Criteria: ACMG Guidelines, 2015. Collection method: clinical testing. Allele origin: germline.

Genome-Nilou Lab
Classification: Benign for Familial dysautonomia. Last evaluated: 2021-07-01. Review status: criteria provided, single submitter. Criteria: ACMG Guidelines, 2015. Collection method: clinical testing. Allele origin: germline. Affected: no.

Mayo Clinic Laboratories, Mayo Clinic
Classification: Benign. Last evaluated: 2021-04-25. Review status: criteria provided, single submitter. Criteria: ACMG Guidelines, 2015. Collection method: clinical testing. Allele origin: germline. Observed: 620 variant alleles.

Mendelics
Classification: Benign for Familial dysautonomia. Last evaluated: 2019-05-28. Review status: criteria provided, single submitter. Criteria: Mendelics Assertion Criteria 2017. Collection method: clinical testing. Allele origin: unknown.

Illumina Laboratory Services, Illumina
Classification: Benign for Familial dysautonomia. Last evaluated: 2018-01-12. Review status: criteria provided, single submitter. Criteria: ICSL Variant Classification Criteria 13 December 2019. Collection method: clinical testing. Allele origin: germline.
Comment: This variant was observed in the ICSL laboratory as part of a predisposition screen in an ostensibly healthy population. It had not been previously curated by ICSL or reported in the Human Gene Mutation Database (HGMD: prior to June 1st, 2018), and was therefore a candidate for classification through an automated scoring system. Utilizing variant allele frequency, disease prevalence and penetrance estimates, and inheritance mode, an automated score was calculated to assess if this variant is too frequent to cause the disease. Based on the score and internal cut-off values, a variant classified as benign is not then subjected to further curation. The score for this variant resulted in a classification of benign for this disease.

Eurofins Ntd Llc (ga)
Classification: Benign. Last evaluated: 2014-07-08. Review status: criteria provided, single submitter. Criteria: EGL Classification Definitions 2015. Collection method: clinical testing. Allele origin: germline. Observed: 1 variant allele, 1 heterozygote.

GeneDx
Classification: Benign. Last evaluated: 2014-01-20. Review status: criteria provided, single submitter. Criteria: GeneDx Variant Classification (06012015). Collection method: clinical testing. Allele origin: germline. Affected: yes.
Comment: This variant is considered likely benign or benign based on one or more of the following criteria: it is a conservative change, it occurs at a poorly conserved position in the protein, it is predicted to be benign by multiple in silico algorithms, and/or has population frequency not consistent with disease.

Breakthrough Genomics
Classification: Benign. Review status: criteria provided, single submitter. Criteria: ACMG Guidelines, 2015. Collection method: not provided. Allele origin: germline. Inheritance: Autosomal recessive inheritance. Affected: yes.

PreventionGenetics, part of Exact Sciences
Classification: Benign. Review status: criteria provided, single submitter. Criteria: ACMG Guidelines, 2015. Collection method: clinical testing. Allele origin: germline.

Natera, Inc.
Classification: Benign for Familial dysautonomia. Last evaluated: 2017-05-10. Review status: no assertion criteria provided. Collection method: clinical testing. Allele origin: germline. Not counted in ClinVar's aggregate classification.